The following is an entry in ClinVar:

NM_001199138.2(NLRC4):c.2678A>G (p.Gln893Arg)

Gene: NLRC4 (NLR family CARD domain containing 4; minus strand). Cytogenetic location: 2p22.3.
Variant type: single nucleotide variant.
Coding change: c.2678A>G on transcript NM_001199138.2 (MANE Select); coding-DNA position 2678, A replaced by G.
Protein change: p.Gln893Arg; replaces glutamine 893 with arginine.
Molecular consequence: missense variant.
Genome position (GRCh38, 1-based): chr2:32,235,505, T>C on the plus strand (A>G on the coding strand, the complement: NLRC4 is on the minus strand). VCF-style: chr2-32235505-T-C. GRCh37 (hg19) VCF-style: chr2-32460574-T-C.
Other names: c.2678A>G, p.Gln893Arg (NM_001199139.2, NM_021209.5); c.683A>G, p.Gln228Arg (NM_001302504.2); short protein forms Q893R, Q228R.
Identifiers: ClinVar variation 1999093 (VCV001999093.5), dbSNP rs2466719809, ClinGen allele CA346520780.

ClinVar aggregate classification (germline): Conflicting classifications of pathogenicity. Review status: criteria provided, conflicting classifications (1 of 4 stars). 2 submissions from 2 submitters: Uncertain significance (1); Likely benign (1). Last evaluated 2025-08-26.

Conditions:
Inborn genetic diseases. Identifiers: MedGen C0950123, MeSH D030342.
Periodic fever-infantile enterocolitis-autoinflammatory syndrome. Also called: Autoinflammation with infantile enterocolitis. Identifiers: Orphanet 436166, MedGen C4015067, MONDO:0014472, OMIM 616050.
Familial cold autoinflammatory syndrome 4 (FCAS4). Identifiers: Orphanet 47045, Orphanet 576349, MedGen C4015276, MONDO:0014498, OMIM 616115.

Allele frequency attached by ClinVar (database versions not stated): gnomAD exomes below 0.00001.
gnomAD v4.1: 1 of 1,614,172 alleles (0.000062%); highest among the groups gnomAD compares: Non-Finnish European, 0.000085%; no homozygotes.

Submissions (2):

Ambry Genetics
Classification: Likely benign for Inborn genetic diseases. Last evaluated: 2025-08-26. Review status: criteria provided, single submitter. Criteria: Ambry Variant Classification Scheme 2023. Collection method: clinical testing. Allele origin: germline.

Labcorp Genetics (formerly Invitae), Labcorp
Classification: Uncertain significance for Periodic fever-infantile enterocolitis-autoinflammatory syndrome; Familial cold autoinflammatory syndrome 4. Last evaluated: 2022-05-26. Review status: criteria provided, single submitter. Criteria: Invitae Variant Classification Sherloc (09022015). Collection method: clinical testing. Allele origin: germline.
Comment: Algorithms developed to predict the effect of missense changes on protein structure and function (SIFT, PolyPhen-2, Align-GVGD) all suggest that this variant is likely to be tolerated. In summary, the available evidence is currently insufficient to determine the role of this variant in disease. Therefore, it has been classified as a Variant of Uncertain Significance. This variant has not been reported in the literature in individuals affected with NLRC4-related conditions. This variant is not present in population databases (gnomAD no frequency). This sequence change replaces glutamine, which is neutral and polar, with arginine, which is basic and polar, at codon 893 of the NLRC4 protein (p.Gln893Arg).